The following is an entry in ClinVar:

ClinVar aggregate classification (germline): Likely benign (1 of 4 stars; one submission).

gnomAD v4.1: 8,214 of 1,614,066 alleles (0.51%); highest among the groups gnomAD compares: Non-Finnish European, 0.64%; 20 homozygotes.

Submission:

CeGaT Center for Human Genetics Tuebingen
Classification: Likely benign. Last evaluated: 2026-08-01. Review status: criteria provided, single submitter. Criteria: CeGaT Center For Human Genetics Tuebingen Variant Classification Criteria Version 2. Collection method: clinical testing. Allele origin: germline. Affected: yes. Observed: 1 variant allele.
Comment: GTPBP1: BP4, BS2

NM_004286.5(GTPBP1):c.750C>T (p.Phe250=)

Gene: GTPBP1 (GTP binding protein 1; plus strand). Cytogenetic location: 22q13.1.
Variant type: single nucleotide variant.
Coding change: c.750C>T on transcript NM_004286.5 (MANE Select); coding-DNA position 750, C replaced by T.
Protein change: p.Phe250=; no amino-acid change (phenylalanine 250 retained).
Molecular consequence: synonymous variant.
Genome position (GRCh38, 1-based): chr22:38,716,916, C>T. VCF-style: chr22-38716916-C-T. GRCh37 (hg19) VCF-style: chr22-39112921-C-T.
Identifiers: ClinVar variation 5038557 (VCV005038557.1).